The following is an entry in ClinVar:

ClinVar aggregate classification (germline): Pathogenic/Likely pathogenic. Review status: criteria provided, multiple submitters, no conflicts (2 of 4 stars). 2 submissions from 2 submitters: Pathogenic (1); Likely pathogenic (1). Last evaluated 2020-03-28.

Conditions:
MYO6-related disorder. Also called: MYO6-related condition; MYO6-related disorders.
Autosomal dominant nonsyndromic hearing loss 22. Also called: Autosomal dominant nonsyndromic deafness 22; DFNA 22. Identifiers: Orphanet 228012, MedGen C2931767, MONDO:0011660, OMIM 606346.

Submissions (2):

Blueprint Genetics
Classification: Likely pathogenic for MYO6-related disorders. Last evaluated: 2020-03-28. Review status: criteria provided, single submitter. Criteria: ACMG Guidelines, 2015. Collection method: clinical testing. Allele origin: germline. Affected: yes. Observed: 1 variant allele.

Laboratory of Molecular, Cellular and Translation Genetics in Otolaryngology/ Lim32-hcfmusp, University of Sao Paulo School of Medicine Clinics Hospital
Classification: Pathogenic for Autosomal dominant nonsyndromic hearing loss 22. Last evaluated: 2017-10-17. Review status: criteria provided, single submitter. Criteria: ACMG Guidelines, 2015. Collection method: research. Allele origin: paternal, unknown, maternal. Inheritance: Autosomal dominant inheritance. Affected: yes. Observed: 11 variant alleles, 11 heterozygotes. Clinical features observed: Progressive sensorineural hearing impairment (HP:0000408).
Comment: The nonsense variant p.Ser906* in MYO6 was found to segregate with autosomal dominant hearing loss in a four generation Brazilian family (13 affected and three unaffected). This MYO6 variant described herein has not been reported so far in the Deafness Variation Database, ExAC, 1000 Genomes, or ABraOM. This variant changes a highly conserved nucleotideacross vertebrate species (PhyloP = 5.718 and PhastCons= 1).

NM_004999.4(MYO6):c.2717C>A (p.Ser906Ter)

Gene: MYO6 (myosin VI; plus strand). Cytogenetic location: 6q14.1.
Variant type: single nucleotide variant.
Coding change: c.2717C>A on transcript NM_004999.4 (MANE Select); coding-DNA position 2717, C replaced by A.
Protein change: p.Ser906Ter; replaces serine 906 with a stop codon.
Molecular consequence: nonsense. On other transcripts: non-coding transcript variant (1).
Genome position (GRCh38, 1-based): chr6:75,890,115, C>A. VCF-style: chr6-75890115-C-A. GRCh37 (hg19) VCF-style: chr6-76599832-C-A.
Other names: c.2717C>A, p.Ser906Ter (NM_001300899.2, NM_001368136.1, NM_001368137.1 and 2 more transcripts); c.2702C>A, p.Ser901Ter (NM_001368138.1); short protein forms S906*, S901*.
Identifiers: ClinVar variation 544693 (VCV000544693.4), dbSNP rs1554218566, ClinGen allele CA364776561.
Genomic context (GRCh38, chr6:75,890,115, plus strand): 5'-AGTCCACTATGATGACGCAGGAACAAATCCAGAAAGAATATGATGCACTGGTTAAAAGCT[C>A]AGAGGAACTCCTCAGTGCATTACAGAAAAAAAAACAGCAGGAAGAGGAAGCAGAAAGGCT-3'